The following is an entry in ClinVar:

ClinVar aggregate classification (germline): Benign. Review status: criteria provided, multiple submitters, no conflicts (2 of 4 stars). 2 submissions from 2 submitters: Benign (2). Last evaluated 2018-01-12.

Conditions:
Autosomal recessive distal spinal muscular atrophy 1. Also called: HMN VI; NEURONOPATHY, SEVERE INFANTILE AXONAL, WITH RESPIRATORY FAILURE; SEVERE INFANTILE AXONAL NEUROPATHY WITH RESPIRATORY FAILURE; SPINAL MUSCULAR ATROPHY, DIAPHRAGMATIC; Spinal muscular atrophy with respiratory distress 1; NEURONOPATHY, DISTAL HEREDITARY MOTOR, HARDING TYPE VI. Identifiers: Orphanet 98920, MedGen C1858517, MONDO:0011436, OMIM 604320.

Allele frequency attached by ClinVar (database versions not stated): 1000 Genomes Project 0.15355; 1000 Genomes Project 30x 0.15693; gnomAD 0.22045 and 0.22873; gnomAD exomes 0.22449; TOPMed 0.23392.
gnomAD v4.1: 33,690 of 152,024 alleles (22%); highest among the groups gnomAD compares: Non-Finnish European, 25%; 3,967 homozygotes.

Submissions (2):

Illumina Laboratory Services, Illumina
Classification: Benign for Autosomal recessive distal spinal muscular atrophy 1. Last evaluated: 2018-01-12. Review status: criteria provided, single submitter. Criteria: ICSL Variant Classification Criteria 13 December 2019. Collection method: clinical testing. Allele origin: germline.
Comment: This variant was observed in the ICSL laboratory as part of a predisposition screen in an ostensibly healthy population. It had not been previously curated by ICSL or reported in the Human Gene Mutation Database (HGMD: prior to June 1st, 2018), and was therefore a candidate for classification through an automated scoring system. Utilizing variant allele frequency, disease prevalence and penetrance estimates, and inheritance mode, an automated score was calculated to assess if this variant is too frequent to cause the disease. Based on the score and internal cut-off values, a variant classified as benign is not then subjected to further curation. The score for this variant resulted in a classification of benign for this disease.

Breakthrough Genomics
Classification: Benign. Review status: criteria provided, single submitter. Criteria: ACMG Guidelines, 2015. Collection method: not provided. Allele origin: germline. Inheritance: Autosomal recessive inheritance. Affected: yes.

NM_002180.3(IGHMBP2):c.*681T>C

Gene: IGHMBP2 (immunoglobulin mu DNA binding protein 2; plus strand). Cytogenetic location: 11q13.3.
Variant type: single nucleotide variant.
Coding change: c.*681T>C on transcript NM_002180.3 (MANE Select); 681 bases downstream of the stop codon, T replaced by C.
Molecular consequence: 3 prime UTR variant.
Genome position (GRCh38, 1-based): chr11:68,940,412, T>C. VCF-style: chr11-68940412-T-C. GRCh37 (hg19) VCF-style: chr11-68707880-T-C.
Identifiers: ClinVar variation 305877 (VCV000305877.6), dbSNP rs9095, ClinGen allele CA10639994.